The following is an entry in ClinVar:

NM_004612.4(TGFBR1):c.32G>C (p.Arg11Pro)

Genes: TGFBR1 (transforming growth factor beta receptor 1; plus strand), LOC130002223 (ATAC-STARR-seq lymphoblastoid silent region 20124; plus strand). Cytogenetic location: 9q22.33.
Variant type: single nucleotide variant.
Coding change: c.32G>C on transcript NM_004612.4 (MANE Select); coding-DNA position 32, G replaced by C.
Protein change: p.Arg11Pro; replaces arginine 11 with proline.
Molecular consequence: missense variant.
Genome position (GRCh38, 1-based): chr9:99,105,237, G>C. VCF-style: chr9-99105237-G-C. GRCh37 (hg19) VCF-style: chr9-101867519-G-C.
Other names: c.32G>C, p.Arg11Pro (NM_001130916.3, NM_001306210.2); short protein forms R11P.
Identifiers: ClinVar variation 263928 (VCV000263928.14), dbSNP rs886038980, ClinGen allele CA10587677.
Genomic context (GRCh38, chr9:99,105,237, plus strand): 5'-GCCGGGCCACAGGCGGTGGCGGCGGGACCATGGAGGCGGCGGTCGCTGCTCCGCGTCCCC[G>C]GCTGCTCCTCCTCGTGCTGGCGGCGGCGGCGGCGGCGGCGGCGGCGCTGCTCCCGGGGGC-3'
Protein context (NP_004603.1, residues 1-21): MEAAVAAPRP[Arg11Pro]LLLLVLAAAA

ClinVar aggregate classification (germline): Uncertain significance. Review status: criteria provided, multiple submitters, no conflicts (2 of 4 stars). 2 submissions from 2 submitters: Uncertain significance (2). Last evaluated 2025-01-27.

Conditions:
Familial thoracic aortic aneurysm and aortic dissection (TAAD). Also called: Thoracic aortic aneurysms and dissections. Identifiers: Orphanet 91387, MedGen C4707243, MONDO:0019625.

Allele frequency attached by ClinVar (database versions not stated): gnomAD 0.00001; TOPMed 0.00002.

Submissions (2):

Labcorp Genetics (formerly Invitae), Labcorp
Classification: Uncertain significance for Familial thoracic aortic aneurysm and aortic dissection. Last evaluated: 2025-01-27. Review status: criteria provided, single submitter. Criteria: Invitae Variant Classification Sherloc (09022015). Collection method: clinical testing. Allele origin: germline.
Comment: This sequence change replaces arginine, which is basic and polar, with proline, which is neutral and non-polar, at codon 11 of the TGFBR1 protein (p.Arg11Pro). The frequency data for this variant in the population databases is considered unreliable, as metrics indicate insufficient coverage at this position in the gnomAD database. This variant has not been reported in the literature in individuals affected with TGFBR1-related conditions. ClinVar contains an entry for this variant (Variation ID: 263928). Invitae Evidence Modeling of protein sequence and biophysical properties (such as structural, functional, and spatial information, amino acid conservation, physicochemical variation, residue mobility, and thermodynamic stability) indicates that this missense variant is not expected to disrupt TGFBR1 protein function with a negative predictive value of 95%. In summary, the available evidence is currently insufficient to determine the role of this variant in disease. Therefore, it has been classified as a Variant of Uncertain Significance.

Ambry Genetics
Classification: Uncertain significance for Familial thoracic aortic aneurysm and aortic dissection. Last evaluated: 2015-03-04. Review status: criteria provided, single submitter. Criteria: Ambry Variant Classification Scheme 2023. Collection method: clinical testing. Allele origin: germline.
Comment: The p.R11P variant (also known as c.32G>C), located in coding exon 1 of the TGFBR1 gene, results from a G to C substitution at nucleotide position 32. The arginine at codon 11 is replaced by proline, an amino acid with dissimilar properties. This variant was not reported in population based cohorts in the following databases: Database of Single Nucleotide Polymorphisms (dbSNP), NHLBI Exome Sequencing Project (ESP), and 1000 Genomes Project. In the ESP, this variant was not observed in 779 samples (1558 alleles) with coverage at this position. This amino acid position is poorly conserved in available vertebrate species on limited alignment. In addition, this alteration is predicted to be tolerated by in silico analysis. Since supporting evidence is limited at this time, the clinical significance of this variant remains unclear.